The following is an entry in ClinVar:

NM_000136.3(FANCC):c.599T>C (p.Val200Ala)

Genes: FANCC (FA complementation group C; minus strand), AOPEP (aminopeptidase O (putative); plus strand). Cytogenetic location: 9q22.32.
Variant type: single nucleotide variant.
Coding change: c.599T>C on transcript NM_000136.3 (MANE Select); coding-DNA position 599, T replaced by C.
Protein change: p.Val200Ala; replaces valine 200 with alanine.
Molecular consequence: missense variant.
Genome position (GRCh38, 1-based): chr9:95,150,010, A>G on the plus strand (T>C on the coding strand, the complement: FANCC is on the minus strand). VCF-style: chr9-95150010-A-G. GRCh37 (hg19) VCF-style: chr9-97912292-A-G.
Other names: c.599T>C, p.Val200Ala (NM_001243743.2, NM_001243744.2); short protein forms V200A.
Identifiers: ClinVar variation 3512808 (VCV003512808.1).

ClinVar aggregate classification (germline): Uncertain significance (1 of 4 stars; one submission).

Conditions:
Hereditary cancer-predisposing syndrome. Also called: Tumor predisposition; Neoplastic Syndromes, Hereditary; Hereditary Cancer Syndrome; Hereditary neoplastic syndrome. Identifiers: Orphanet 140162, MedGen C0027672, MeSH D009386, MONDO:0015356.

gnomAD v4.1: 2 of 1,614,080 alleles (0.00012%); highest among the groups gnomAD compares: African/African-American, 0.0027%; no homozygotes.

Submission:

Ambry Genetics
Classification: Uncertain significance for Hereditary cancer-predisposing syndrome. Last evaluated: 2024-11-26. Review status: criteria provided, single submitter. Criteria: Ambry Variant Classification Scheme 2023. Collection method: clinical testing. Allele origin: germline.
Comment: The p.V200A variant (also known as c.599T>C), located in coding exon 6 of the FANCC gene, results from a T to C substitution at nucleotide position 599. The valine at codon 200 is replaced by alanine, an amino acid with similar properties. This amino acid position is conserved. In addition, the in silico prediction for this alteration is inconclusive. Based on the available evidence, the clinical significance of this variant remains unclear.